The following is an entry in ClinVar:

ClinVar aggregate classification (germline): Uncertain significance (1 of 4 stars; one submission).

Submission:

Labcorp Genetics (formerly Invitae), Labcorp
Classification: Uncertain significance. Last evaluated: 2022-02-09. Review status: criteria provided, single submitter. Criteria: Invitae Variant Classification Sherloc (09022015). Collection method: clinical testing. Allele origin: germline.
Comment: This variant, c.353_355del, results in the deletion of 1 amino acid(s) of the NTHL1 protein (p.Cys118del), but otherwise preserves the integrity of the reading frame. This variant is not present in population databases (gnomAD no frequency). This variant has not been reported in the literature in individuals affected with NTHL1-related conditions. Experimental studies and prediction algorithms are not available or were not evaluated, and the functional significance of this variant is currently unknown. In summary, the available evidence is currently insufficient to determine the role of this variant in disease. Therefore, it has been classified as a Variant of Uncertain Significance.

NM_002528.7(NTHL1):c.329_331del (p.Cys110del)

Gene: NTHL1 (nth like DNA glycosylase 1; minus strand). Cytogenetic location: 16p13.3.
Variant type: Deletion.
Coding change: c.329_331del on transcript NM_002528.7 (MANE Select); coding-DNA positions 329 to 331, 3 bases deleted (GCT; older notation c.329_331delGCT).
Protein change: p.Cys110del; deletes cysteine 110.
Molecular consequence: inframe deletion. On other transcripts: intron variant (1).
Genome position (GRCh38, 1-based): chr16:2,046,151-2,046,153, AGC deleted on the plus strand (GCT on the coding strand, the reverse complement: NTHL1 is on the minus strand); deleting any 3 consecutive bases within chr16:2,046,151-2,046,155 gives the same sequence; the c. name uses the placement nearest the transcript's 3' end. VCF-style (leftmost placement, unchanged base first): chr16-2046150-TAGC-T. GRCh37 (hg19) VCF-style: chr16-2096151-TAGC-T.
Other names: c.329_331del, p.Cys110del (NM_001318193.2); c.24+127_24+129del (NM_001318194.2); short protein forms C110del.
Identifiers: ClinVar variation 2095841 (VCV002095841.4), dbSNP rs2548319307, ClinGen allele CA2580090629.
Genomic context (GRCh38, chr16:2,046,150, plus strand): 5'-GATGGGGGGTCATCTGGGCAGATGGGGCCCCTGCCTACCTTTGGGGGGGCACTGGAGTCA[TAGC>T]AGTGCTCAGTCCCCAGATGGTCCACAGGTGCATCCTTTTTGTTCCTCATGGCACGGATGT-3'